The following is an entry in ClinVar:

ClinVar aggregate classification (germline): Pathogenic (1 of 4 stars; one submission).

Conditions:
Hereditary cancer-predisposing syndrome. Also called: Hereditary Cancer Syndrome; Hereditary neoplastic syndrome; Neoplastic Syndromes, Hereditary; Tumor predisposition. Identifiers: Orphanet 140162, MedGen C0027672, MeSH D009386, MONDO:0015356.

Submission:

Ambry Genetics
Classification: Pathogenic for Hereditary cancer-predisposing syndrome. Last evaluated: 2022-01-04. Review status: criteria provided, single submitter. Criteria: Ambry Variant Classification Scheme 2023. Collection method: clinical testing. Allele origin: germline.
Comment: The c.1312_1313dupAT pathogenic mutation, located in coding exon 9 of the FLCN gene, results from a duplication of AT at nucleotide position 1312, causing a translational frameshift with a predicted alternate stop codon (p.V439Sfs*30). This variant is considered to be rare based on population cohorts in the Genome Aggregation Database (gnomAD). This alteration is expected to result in loss of function by premature protein truncation or nonsense-mediated mRNA decay. As such, this alteration is interpreted as a disease-causing mutation.

NM_144997.7(FLCN):c.1312_1313dup (p.Val439fs)

Gene: FLCN (folliculin; minus strand). Cytogenetic location: 17p11.2.
Variant type: Duplication.
Coding change: c.1312_1313dup on transcript NM_144997.7 (MANE Select); coding-DNA positions 1312 to 1313, 2 bases duplicated (AT; older notation c.1312_1313dupAT).
Protein change: p.Val439fs; shifts the reading frame from valine 439.
Molecular consequence: frameshift variant.
Genome position (GRCh38, 1-based): chr17:17,215,304-17,215,305, AT duplicated on the plus strand (AT on the coding strand, the reverse complement: FLCN is on the minus strand). VCF-style (leftmost placement, unchanged base first): chr17-17215303-G-GAT. GRCh37 (hg19) VCF-style: chr17-17118617-G-GAT.
Other names: c.1366_1367dup, p.Val457fs (NM_001353229.2); c.1312_1313dup, p.Val439fs (NM_001353230.2, NM_001353231.2); c.1312_1313dupAT (NM_144997.5); short protein forms V457fs, V439fs.
Identifiers: ClinVar variation 1769684 (VCV001769684.2), dbSNP rs2544148797, ClinGen allele CA2580092708.